The following is an entry in ClinVar:

NM_001286555.3(DUSP22):c.153G>A (p.Leu51=)

Gene: DUSP22 (dual specificity phosphatase 22; plus strand). Cytogenetic location: 6p25.3.
Variant type: single nucleotide variant.
Coding change: c.153G>A on transcript NM_001286555.3 (MANE Select); coding-DNA position 153, G replaced by A.
Protein change: p.Leu51=; no amino-acid change (leucine 51 retained).
Molecular consequence: synonymous variant. On other transcripts: non-coding transcript variant (1).
Genome position (GRCh38, 1-based): chr6:335,128, G>A. VCF-style: chr6-335128-G-A. GRCh37 (hg19) VCF-style: chr6-335128-G-A.
Other names: c.153G>A, p.Leu51= (NM_020185.6).
Identifiers: ClinVar variation 3052547 (VCV003052547.2), dbSNP rs148848026, ClinGen allele CA3612222.

ClinVar aggregate classification (germline): Likely benign (0 of 4 stars; one submission).

Conditions:
DUSP22-related disorder. Also called: DUSP22-related condition.

Allele frequency attached by ClinVar (database versions not stated): gnomAD 0.00009; gnomAD exomes 0.00010; ExAC 0.00011; ESP Exome Variant Server 0.00015.
gnomAD v4.1: 152 of 1,613,632 alleles (0.0094%); highest among the groups gnomAD compares: Non-Finnish European, 0.012%; no homozygotes.

Submission:

PreventionGenetics, part of Exact Sciences
Classification: Likely benign for DUSP22-related condition. Last evaluated: 2023-03-17. Review status: no assertion criteria provided. Collection method: clinical testing. Allele origin: germline.
Comment: This variant is classified as likely benign based on ACMG/AMP sequence variant interpretation guidelines (Richards et al. 2015 PMID: 25741868, with internal and published modifications).